The following is an entry in ClinVar:

NM_001003800.2(BICD2):c.971G>T (p.Gly324Val)

Gene: BICD2 (BICD cargo adaptor 2; minus strand). Cytogenetic location: 9q22.31.
Variant type: single nucleotide variant.
Coding change: c.971G>T on transcript NM_001003800.2 (MANE Select); coding-DNA position 971, G replaced by T.
Protein change: p.Gly324Val; replaces glycine 324 with valine.
Molecular consequence: missense variant.
Genome position (GRCh38, 1-based): chr9:92,720,391, C>A on the plus strand (G>T on the coding strand, the complement: BICD2 is on the minus strand). VCF-style: chr9-92720391-C-A. GRCh37 (hg19) VCF-style: chr9-95482673-C-A.
Other names: c.971G>T, p.Gly324Val (NM_015250.4); short protein forms G324V.
Identifiers: ClinVar variation 1767977 (VCV001767977.4), dbSNP rs115787125, ClinGen allele CA5126688.

ClinVar aggregate classification (germline): Uncertain significance. Review status: criteria provided, multiple submitters, no conflicts (2 of 4 stars). 2 submissions from 2 submitters: Uncertain significance (2). Last evaluated 2024-05-01.

Conditions:
Inborn genetic diseases. Identifiers: MedGen C0950123, MeSH D030342.
Autosomal dominant childhood-onset proximal spinal muscular atrophy with contractures (SMALED2A). Also called: Spinal muscular atrophy, lower extremity-predominant, 2A, autosomal dominant; SPINAL MUSCULAR ATROPHY, LOWER EXTREMITY-PREDOMINANT, 2A, CHILDHOOD ONSET, AUTOSOMAL DOMINANT. Identifiers: Orphanet 363447, Orphanet 363454, MedGen C4747715, MONDO:0014121, OMIM 615290.

Allele frequency attached by ClinVar (database versions not stated): gnomAD exomes below 0.00001; ExAC 0.00002; TOPMed 0.00004; gnomAD 0.00005; 1000 Genomes Project 0.00020; 1000 Genomes Project 30x 0.00031.
gnomAD v4.1: 9 of 1,614,116 alleles (0.00056%); highest among the groups gnomAD compares: African/African-American, 0.012%; no homozygotes.

Submissions (2):

Labcorp Genetics (formerly Invitae), Labcorp
Classification: Uncertain significance for Autosomal dominant childhood-onset proximal spinal muscular atrophy with contractures. Last evaluated: 2024-05-01. Review status: criteria provided, single submitter. Criteria: Invitae Variant Classification Sherloc (09022015). Collection method: clinical testing. Allele origin: germline.
Comment: This sequence change replaces glycine, which is neutral and non-polar, with valine, which is neutral and non-polar, at codon 324 of the BICD2 protein (p.Gly324Val). This variant is present in population databases (rs115787125, gnomAD 0.02%). This variant has not been reported in the literature in individuals affected with BICD2-related conditions. ClinVar contains an entry for this variant (Variation ID: 1767977). Advanced modeling of protein sequence and biophysical properties (such as structural, functional, and spatial information, amino acid conservation, physicochemical variation, residue mobility, and thermodynamic stability) performed at Invitae indicates that this missense variant is not expected to disrupt BICD2 protein function with a negative predictive value of 80%. In summary, the available evidence is currently insufficient to determine the role of this variant in disease. Therefore, it has been classified as a Variant of Uncertain Significance.

Ambry Genetics
Classification: Uncertain significance for Inborn genetic diseases. Last evaluated: 2019-10-15. Review status: criteria provided, single submitter. Criteria: Ambry Variant Classification Scheme 2023. Collection method: clinical testing. Allele origin: germline.
Comment: The p.G324V variant (also known as c.971G>T), located in coding exon 4 of the BICD2 gene, results from a G to T substitution at nucleotide position 971. The glycine at codon 324 is replaced by valine, an amino acid with dissimilar properties. This amino acid position is not well conserved in available vertebrate species. In addition, this alteration is predicted to be tolerated by in silico analysis. Since supporting evidence is limited at this time, the clinical significance of this alteration remains unclear.